The following is an entry in ClinVar:

ClinVar aggregate classification (germline): Pathogenic (1 of 4 stars; one submission).

Conditions:
Developmental and epileptic encephalopathy, 12 (DEE12). Identifiers: MedGen C3150988, MONDO:0013389, OMIM 613722.

Submission:

Labcorp Genetics (formerly Invitae), Labcorp
Classification: Pathogenic for Developmental and epileptic encephalopathy, 12. Last evaluated: 2023-04-19. Review status: criteria provided, single submitter. Criteria: Invitae Variant Classification Sherloc (09022015). Collection method: clinical testing. Allele origin: germline.
Comment: This sequence change creates a premature translational stop signal (p.Phe328Serfs*33) in the PNKP gene. It is expected to result in an absent or disrupted protein product. Loss-of-function variants in PNKP are known to be pathogenic (PMID: 20118933, 25728773). This variant is present in population databases (no rsID available, gnomAD 0.001%). This variant has not been reported in the literature in individuals affected with PNKP-related conditions. For these reasons, this variant has been classified as Pathogenic.

Literature cited by the submitters: PubMed 20118933; PubMed 25728773.

NM_007254.4(PNKP):c.983_986del (p.Phe328fs)

Gene: PNKP (polynucleotide kinase 3'-phosphatase; minus strand). Cytogenetic location: 19q13.33.
Variant type: Microsatellite.
Coding change: c.983_986del on transcript NM_007254.4 (MANE Select); coding-DNA positions 983 to 986, 4 bases deleted (TTCT; older notation c.983_986delTTCT).
Protein change: p.Phe328fs; shifts the reading frame from phenylalanine 328.
Molecular consequence: frameshift variant.
Genome position (GRCh38, 1-based): chr19:49,862,414-49,862,417, AGAA deleted on the plus strand (TTCT on the coding strand, the reverse complement: PNKP is on the minus strand); deleting any 4 consecutive bases within chr19:49,862,414-49,862,421 gives the same sequence; the c. name uses the placement nearest the transcript's 3' end. VCF-style (leftmost placement, unchanged base first): chr19-49862413-GAGAA-G. GRCh37 (hg19) VCF-style: chr19-50365670-GAGAA-G.
Other names: short protein forms F328fs.
Identifiers: ClinVar variation 2854031 (VCV002854031.3), dbSNP rs1568660169, ClinGen allele CA633895323.